The following is an entry in ClinVar:

NM_032043.3(BRIP1):c.2908G>A (p.Asp970Asn)

Gene: BRIP1 (BRCA1 interacting DNA helicase 1; minus strand). Cytogenetic location: 17q23.2.
Variant type: single nucleotide variant.
Coding change: c.2908G>A on transcript NM_032043.3 (MANE Select); coding-DNA position 2908, G replaced by A.
Protein change: p.Asp970Asn; replaces aspartic acid 970 with asparagine.
Molecular consequence: missense variant.
Genome position (GRCh38, 1-based): chr17:61,684,138, C>T on the plus strand (G>A on the coding strand, the complement: BRIP1 is on the minus strand). VCF-style: chr17-61684138-C-T. GRCh37 (hg19) VCF-style: chr17-59761499-C-T.
Other names: short protein forms D970N.
Identifiers: ClinVar variation 461133 (VCV000461133.9), dbSNP rs1555572994, ClinGen allele CA400480769.

ClinVar aggregate classification (germline): Uncertain significance (1 of 4 stars; one submission).

Conditions:
Fanconi anemia complementation group J. Also called: BRIP1-Related Fanconi Anemia. Identifiers: Orphanet 84, MedGen C1836860, MONDO:0012187, OMIM 609054.
Familial cancer of breast. Also called: BREAST CANCER, FAMILIAL; hereditary breast carcinoma; Hereditary breast cancer. Identifiers: Orphanet 227535, MedGen C0346153, MONDO:0016419, OMIM 114480. Disease mechanism: loss of function.

Submission:

Labcorp Genetics (formerly Invitae), Labcorp
Classification: Uncertain significance for Familial cancer of breast; Fanconi anemia complementation group J. Last evaluated: 2023-01-18. Review status: criteria provided, single submitter. Criteria: Invitae Variant Classification Sherloc (09022015). Collection method: clinical testing. Allele origin: germline.
Comment: This variant is not present in population databases (gnomAD no frequency). ClinVar contains an entry for this variant (Variation ID: 461133). This variant has not been reported in the literature in individuals affected with BRIP1-related conditions. This sequence change replaces aspartic acid, which is acidic and polar, with asparagine, which is neutral and polar, at codon 970 of the BRIP1 protein (p.Asp970Asn). Algorithms developed to predict the effect of missense changes on protein structure and function (SIFT, PolyPhen-2, Align-GVGD) all suggest that this variant is likely to be tolerated. In summary, the available evidence is currently insufficient to determine the role of this variant in disease. Therefore, it has been classified as a Variant of Uncertain Significance.